The following is an entry in ClinVar:

ClinVar aggregate classification (germline): Uncertain significance (1 of 4 stars; one submission).

Allele frequency attached by ClinVar (database versions not stated): TOPMed below 0.00001; gnomAD 0.00003.
gnomAD v4.1: 6 of 1,613,826 alleles (0.00037%); highest among the groups gnomAD compares: Non-Finnish European, 0.00051%; no homozygotes.

Submission:

Labcorp Genetics (formerly Invitae), Labcorp
Classification: Uncertain significance. Last evaluated: 2023-07-28. Review status: criteria provided, single submitter. Criteria: Invitae Variant Classification Sherloc (09022015). Collection method: clinical testing. Allele origin: germline.
Comment: In summary, the available evidence is currently insufficient to determine the role of this variant in disease. Therefore, it has been classified as a Variant of Uncertain Significance. An algorithm developed to predict the effect of missense changes on protein structure and function (PolyPhen-2) suggests that this variant is likely to be disruptive. This variant has not been reported in the literature in individuals affected with FRAS1-related conditions. This variant is present in population databases (no rsID available, gnomAD 0.005%). This sequence change replaces leucine, which is neutral and non-polar, with glutamine, which is neutral and polar, at codon 632 of the FRAS1 protein (p.Leu632Gln).

NM_025074.7(FRAS1):c.1895T>A (p.Leu632Gln)

Gene: FRAS1 (Fraser extracellular matrix complex subunit 1; plus strand). Cytogenetic location: 4q21.21.
Variant type: single nucleotide variant.
Coding change: c.1895T>A on transcript NM_025074.7 (MANE Select); coding-DNA position 1895, T replaced by A.
Protein change: p.Leu632Gln; replaces leucine 632 with glutamine.
Molecular consequence: missense variant.
Genome position (GRCh38, 1-based): chr4:78,317,443, T>A. VCF-style: chr4-78317443-T-A. GRCh37 (hg19) VCF-style: chr4-79238597-T-A.
Other names: c.1895T>A, p.Leu632Gln (NM_001166133.2); short protein forms L632Q.
Identifiers: ClinVar variation 2747803 (VCV002747803.1), dbSNP rs1343471774, ClinGen allele CA357368265.